The following is an entry in ClinVar:

ClinVar aggregate classification (germline): Uncertain significance (1 of 4 stars; one submission).

Conditions:
Hereditary cancer-predisposing syndrome. Also called: Hereditary Cancer Syndrome; Tumor predisposition; Hereditary neoplastic syndrome; Neoplastic Syndromes, Hereditary. Identifiers: Orphanet 140162, MedGen C0027672, MeSH D009386, MONDO:0015356.

Submission:

Ambry Genetics
Classification: Uncertain significance for Hereditary cancer-predisposing syndrome. Last evaluated: 2024-08-20. Review status: criteria provided, single submitter. Criteria: Ambry Variant Classification Scheme 2023. Collection method: clinical testing. Allele origin: germline.
Comment: The c.4068_4070dupGAT variant (also known as p.L1356_I1357insM), located in coding exon 10 of the MSH6 gene, results from an in-frame duplication of GAT at nucleotide positions 4068 to 4070. This results in the insertion of a methionine between codons 1356 and 1357. This amino acid region is not well conserved in available vertebrate species. In addition, this alteration is predicted to be neutral by in silico analysis (Choi Y et al. PLoS ONE. 2012; 7(10):e46688). Based on the available evidence, the clinical significance of this variant remains unclear.

NM_000179.3(MSH6):c.4068_4070dup (p.Leu1356_Ile1357insMet)

Gene: MSH6 (mutS homolog 6; plus strand). Cytogenetic location: 2p16.3.
Variant type: Duplication.
Coding change: c.4068_4070dup on transcript NM_000179.3 (MANE Select); coding-DNA positions 4068 to 4070, 3 bases duplicated (GAT; older notation c.4068_4070dupGAT).
Protein change: p.Leu1356_Ile1357insMet.
Molecular consequence: 3 prime UTR variant (on NM_001406800.1). On other transcripts: non-coding transcript variant (5), inframe indel (1).
Genome position (GRCh38, 1-based): chr2:47,806,845-47,806,847, GAT duplicated; duplicating any 3 consecutive bases within chr2:47,806,844-47,806,847 gives the same sequence; the c. name uses the placement nearest the transcript's 3' end. VCF-style (leftmost placement, unchanged base first): chr2-47806843-T-TTGA. GRCh37 (hg19) VCF-style: chr2-48033982-T-TTGA.
Other names: c.3678_3680dup, p.Leu1226_Ile1227insMet (NM_001281492.2); c.3162_3164dup, p.Leu1054_Ile1055insMet (NM_001281493.2, NM_001281494.2, NM_001406811.1 and 6 more transcripts); c.4164_4166dup, p.Leu1388_Ile1389insMet (NM_001406795.1); c.4068_4070dup, p.Leu1356_Ile1357insMet (NM_001406796.1, NM_001406809.1); c.3771_3773dup, p.Leu1257_Ile1258insMet (NM_001406797.1, NM_001406805.1, NM_001406818.1 and 8 more transcripts); c.3894_3896dup, p.Leu1298_Ile1299insMet (NM_001406798.1); c.3543_3545dup, p.Leu1181_Ile1182insMet (NM_001406799.1, NM_001406806.1, NM_001406807.1); c.*89_*91dup (NM_001406800.1); and 10 more.
Identifiers: ClinVar variation 3398888 (VCV003398888.1).
Genomic context (GRCh38, chr2:47,806,843, plus strand): 5'-GTTTGCCTGGCTAGTGAAAGGTCAACTGTAGATGCTGAAGCTGTCCATAAATTGCTGACT[T>TTGA]TGATTAAGGAATTATAGACTGACTACATTGGAAGCTTTGAGTTGACTTCTGACAAAGGTG-3'